The following is an entry in ClinVar:

ClinVar aggregate classification (germline): Conflicting classifications of pathogenicity. Review status: criteria provided, conflicting classifications (1 of 4 stars). 3 submissions from 3 submitters: Uncertain significance (2); Likely benign (1). Last evaluated 2023-11-21.

Conditions:
Cardiovascular phenotype. Identifiers: MedGen CN230736.
Alstrom syndrome (ALMS). Identifiers: Orphanet 64, MedGen C0268425, MONDO:0008763, OMIM 203800.

Allele frequency attached by ClinVar (database versions not stated): gnomAD exomes below 0.00001 and 0.00001; ExAC 0.00001; gnomAD 0.00001; TOPMed 0.00007.
gnomAD v4.1: 8 of 1,613,792 alleles (0.0005%); highest among the groups gnomAD compares: African/African-American, 0.011%; no homozygotes.

Submissions (3):

Ambry Genetics
Classification: Likely benign for Cardiovascular phenotype. Last evaluated: 2023-11-21. Review status: criteria provided, single submitter. Criteria: Ambry Variant Classification Scheme 2023. Collection method: clinical testing. Allele origin: germline.

Labcorp Genetics (formerly Invitae), Labcorp
Classification: Uncertain significance for Alstrom syndrome. Last evaluated: 2022-07-12. Review status: criteria provided, single submitter. Criteria: Invitae Variant Classification Sherloc (09022015). Collection method: clinical testing. Allele origin: germline.
Comment: This sequence change replaces serine, which is neutral and polar, with threonine, which is neutral and polar, at codon 1173 of the ALMS1 protein (p.Ser1173Thr). This variant is present in population databases (rs756748918, gnomAD 0.01%). This variant has not been reported in the literature in individuals affected with ALMS1-related conditions. ClinVar contains an entry for this variant (Variation ID: 1373395). Experimental studies and prediction algorithms are not available or were not evaluated, and the functional significance of this variant is currently unknown. In summary, the available evidence is currently insufficient to determine the role of this variant in disease. Therefore, it has been classified as a Variant of Uncertain Significance.

Fulgent Genetics
Classification: Uncertain significance for Alstrom syndrome. Last evaluated: 2021-07-29. Review status: criteria provided, single submitter. Criteria: ACMG Guidelines, 2015. Collection method: clinical testing. Allele origin: unknown.

NM_001378454.1(ALMS1):c.3514T>A (p.Ser1172Thr)

Gene: ALMS1 (ALMS1 centrosome and basal body associated protein; plus strand). Cytogenetic location: 2p13.1.
Variant type: single nucleotide variant.
Coding change: c.3514T>A on transcript NM_001378454.1 (MANE Select); coding-DNA position 3514, T replaced by A.
Protein change: p.Ser1172Thr; replaces serine 1172 with threonine.
Molecular consequence: missense variant.
Genome position (GRCh38, 1-based): chr2:73,450,041, T>A. VCF-style: chr2-73450041-T-A. GRCh37 (hg19) VCF-style: chr2-73677168-T-A.
Other names: c.3517T>A, p.Ser1173Thr (NM_015120.4); short protein forms S1173T, S1172T.
Identifiers: ClinVar variation 1373395 (VCV001373395.6), dbSNP rs756748918, ClinGen allele CA1713539.